The following is an entry in ClinVar:

ClinVar aggregate classification (germline): Uncertain significance (1 of 4 stars; one submission).

Allele frequency attached by ClinVar (database versions not stated): gnomAD exomes 0.00001.
gnomAD v4.1: 20 of 1,601,930 alleles (0.0012%); highest among the groups gnomAD compares: Non-Finnish European, 0.0016%; no homozygotes.

Submission:

Ambry Genetics
Classification: Uncertain significance. Last evaluated: 2024-07-21. Review status: criteria provided, single submitter. Criteria: Ambry Variant Classification Scheme 2023. Collection method: clinical testing. Allele origin: germline.
Comment: The p.P574L variant (also known as c.1721C>T), located in coding exon 13 of the RECQL gene, results from a C to T substitution at nucleotide position 1721. The proline at codon 574 is replaced by leucine, an amino acid with similar properties. This amino acid position is well conserved in available vertebrate species. In addition, this alteration is predicted to be tolerated by in silico analysis. The evidence for this gene-disease relationship is limited; therefore, the clinical significance of this alteration is unclear.

NM_002907.4(RECQL):c.1721C>T (p.Pro574Leu)

Genes: PYROXD1 (pyridine nucleotide-disulphide oxidoreductase domain 1; plus strand), RECQL (RecQ like helicase; minus strand). Cytogenetic location: 12p12.1.
Variant type: single nucleotide variant.
Coding change: c.1721C>T on transcript NM_002907.4 (MANE Select); coding-DNA position 1721, C replaced by T.
Protein change: p.Pro574Leu; replaces proline 574 with leucine.
Molecular consequence: missense variant. On other transcripts: 3 prime UTR variant (3).
Genome position (GRCh38, 1-based): chr12:21,471,045, G>A on the plus strand (C>T on the coding strand, the complement: RECQL is on the minus strand). VCF-style: chr12-21471045-G-A. GRCh37 (hg19) VCF-style: chr12-21623979-G-A.
Other names: c.1721C>T, p.Pro574Leu (NM_032941.3); c.*2291G>A (NM_001350912.2, NM_001350913.2, NM_024854.5); short protein forms P574L.
Identifiers: ClinVar variation 1778771 (VCV001778771.3), dbSNP rs771878298, ClinGen allele CA384114583.
Genomic context (GRCh38, chr12:21,471,045, plus strand): 5'-GTGGACTTTGTCACTTGCATAGTAATAGCATGTGCCTCATTGTTCAGAAGATTAGCTTTA[G>A]GTCCTATTTTCAAATACGAAATGGTAGCATAAGCTGTAAAACTGTAGTCTTCTCTGCAGA-3'
Protein context (NP_002898.2, residues 564-584): YATISYLKIG[Pro574Leu]KANLLNNEAH